The following is an entry in ClinVar:

NM_001098816.3(TENM4):c.2481A>C (p.Gly827=)

Gene: TENM4 (teneurin transmembrane protein 4; minus strand). Cytogenetic location: 11q14.1.
Variant type: single nucleotide variant.
Coding change: c.2481A>C on transcript NM_001098816.3 (MANE Select); coding-DNA position 2481, A replaced by C.
Protein change: p.Gly827=; no amino-acid change (glycine 827 retained).
Molecular consequence: synonymous variant.
Genome position (GRCh38, 1-based): chr11:78,771,050, T>G on the plus strand (A>C on the coding strand, the complement: TENM4 is on the minus strand). VCF-style: chr11-78771050-T-G. GRCh37 (hg19) VCF-style: chr11-78482095-T-G.
Identifiers: ClinVar variation 2642223 (VCV002642223.25), dbSNP rs756158116, ClinGen allele CA6207281.

ClinVar aggregate classification (germline): Likely benign. Review status: criteria provided, multiple submitters, no conflicts (2 of 4 stars). 2 submissions from 2 submitters: Likely benign (2). Last evaluated 2024-02-01.

Allele frequency attached by ClinVar (database versions not stated): gnomAD 0.00001; gnomAD exomes 0.00002; TOPMed 0.00002; ExAC 0.00003.
gnomAD v4.1: 23 of 1,580,996 alleles (0.0015%); highest among the groups gnomAD compares: Non-Finnish European, 0.002%; no homozygotes.

Submissions (2):

CeGaT Center for Human Genetics Tuebingen
Classification: Likely benign. Last evaluated: 2024-02-01. Review status: criteria provided, single submitter. Criteria: CeGaT Center For Human Genetics Tuebingen Variant Classification Criteria Version 2. Collection method: clinical testing. Allele origin: germline. Affected: yes. Observed: 2 variant alleles.
Comment: TENM4: BP4, BP7

Blueprint Genetics
Classification: Likely benign. Last evaluated: 2022-02-01. Review status: criteria provided, single submitter. Criteria: ACMG Guidelines, 2015. Collection method: clinical testing. Allele origin: germline.